The following is an entry in ClinVar:

NM_005631.5(SMO):c.518G>A (p.Arg173His)

Gene: SMO (smoothened, frizzled class receptor; plus strand). Cytogenetic location: 7q32.1.
Variant type: single nucleotide variant.
Coding change: c.518G>A on transcript NM_005631.5 (MANE Select); coding-DNA position 518, G replaced by A.
Protein change: p.Arg173His; replaces arginine 173 with histidine.
Molecular consequence: missense variant.
Genome position (GRCh38, 1-based): chr7:129,203,570, G>A. VCF-style: chr7-129203570-G-A. GRCh37 (hg19) VCF-style: chr7-128843411-G-A.
Other names: c.518G>A, p.Arg173His (LRG_1393t1); c.518G>A (NM_005631.4); short protein forms R173H.
Identifiers: ClinVar variation 135267 (VCV000135267.29), dbSNP rs147491841, ClinGen allele CA162180.

ClinVar aggregate classification (germline): Likely benign. Review status: criteria provided, single submitter (1 of 4 stars). 3 submissions from 3 submitters: Likely benign (1). 2 of the submissions do not count toward it. Last evaluated 2023-06-01.

Conditions:
SMO-related disorder. Also called: SMO-related condition.

Allele frequency attached by ClinVar (database versions not stated): gnomAD exomes 0.00072 and 0.00108; gnomAD 0.00041 and 0.00064; ESP Exome Variant Server 0.00054; TOPMed 0.00060; 1000 Genomes Project 0.00140; 1000 Genomes Project 30x 0.00141; ExAC 0.00145.
gnomAD v4.1: 1,150 of 1,601,494 alleles (0.072%); highest among the groups gnomAD compares: Middle Eastern, 1.9%; 10 homozygotes.

Submissions (3):

CeGaT Center for Human Genetics Tuebingen
Classification: Likely benign. Last evaluated: 2023-06-01. Review status: criteria provided, single submitter. Criteria: CeGaT Center For Human Genetics Tuebingen Variant Classification Criteria Version 2. Collection method: clinical testing. Allele origin: germline. Affected: yes. Observed: 1 variant allele.
Comment: SMO: BP4, BS2

PreventionGenetics, part of Exact Sciences
Classification: Likely benign for SMO-related condition. Last evaluated: 2020-10-13. Review status: no assertion criteria provided. Collection method: clinical testing. Allele origin: germline. Not counted in ClinVar's aggregate classification.
Comment: This variant is classified as likely benign based on ACMG/AMP sequence variant interpretation guidelines (Richards et al. 2015 PMID: 25741868, with internal and published modifications).

ITMI
No classification provided. Condition: AllHighlyPenetrant. Last evaluated: 2013-09-19. Review status: no classification provided. Collection method: reference population. Allele origin: germline. Not counted in ClinVar's aggregate classification.
Comment: Please see associated publication for description of ethnicities

Literature cited by the submitters: PubMed 24728327 (cited by ITMI).